The following is an entry in ClinVar:

NM_001323289.2(CDKL5):c.480G>A (p.Leu160=)

Gene: CDKL5 (cyclin dependent kinase like 5; plus strand). Cytogenetic location: Xp22.13.
Variant type: single nucleotide variant.
Coding change: c.480G>A on transcript NM_001323289.2 (MANE Select); coding-DNA position 480, G replaced by A.
Protein change: p.Leu160=; no amino-acid change (leucine 160 retained).
Molecular consequence: synonymous variant.
Genome position (GRCh38, 1-based): chrX:18,584,279, G>A. VCF-style: chrX-18584279-G-A. GRCh37 (hg19) VCF-style: chrX-18602399-G-A.
Other names: c.480G>A, p.Leu160= (NM_001037343.2, NM_003159.3).
Identifiers: ClinVar variation 384383 (VCV000384383.2), dbSNP rs750878642, ClinGen allele CA10360274.

ClinVar aggregate classification (germline): Likely benign. Review status: criteria provided, multiple submitters, no conflicts (2 of 4 stars). 2 submissions from 2 submitters: Likely benign (2). Last evaluated 2020-08-04.

Allele frequency attached by ClinVar (database versions not stated): ExAC 0.00001.
gnomAD v4.1: 4 of 1,199,972 alleles (0.00033%); highest among the groups gnomAD compares: African/African-American, 0.0035%; no homozygotes.

Submissions (2):

Blueprint Genetics
Classification: Likely benign. Last evaluated: 2020-08-04. Review status: criteria provided, single submitter. Criteria: ACMG Guidelines, 2015. Collection method: clinical testing. Allele origin: germline.

GeneDx
Classification: Likely benign. Last evaluated: 2016-03-14. Review status: criteria provided, single submitter. Criteria: GeneDx Variant Classification (06012015). Collection method: clinical testing. Allele origin: germline. Affected: yes.
Comment: This variant is considered likely benign or benign based on one or more of the following criteria: it is a conservative change, it occurs at a poorly conserved position in the protein, it is predicted to be benign by multiple in silico algorithms, and/or has population frequency not consistent with disease.